The following is an entry in ClinVar:

NM_001197104.2(KMT2A):c.2366C>T (p.Thr789Ile)

Gene: KMT2A (lysine methyltransferase 2A; plus strand). Cytogenetic location: 11q23.3.
Variant type: single nucleotide variant.
Coding change: c.2366C>T on transcript NM_001197104.2 (MANE Select); coding-DNA position 2366, C replaced by T.
Protein change: p.Thr789Ile; replaces threonine 789 with isoleucine.
Molecular consequence: missense variant.
Genome position (GRCh38, 1-based): chr11:118,473,525, C>T. VCF-style: chr11-118473525-C-T. GRCh37 (hg19) VCF-style: chr11-118344240-C-T.
Other names: c.2465C>T, p.Thr822Ile (NM_001412597.1); c.2366C>T, p.Thr789Ile (NM_005933.4); short protein forms T789I, T822I.
Identifiers: ClinVar variation 3364594 (VCV003364594.1).
Genomic context (GRCh38, chr11:118,473,525, plus strand): 5'-CTCTCACCCCCCCGTCTTCTGTCTCTTCCTCGTTAAGCATTTCTGTTAGTCCTCTTGCCA[C>T]TAGTGCCTTAAACCCAACTTTTACTTTTCCTTCTCATTCCCTGACTCAGTCTGGGGAATC-3'
Protein context (NP_001184033.1, residues 779-799): SLSISVSPLA[Thr789Ile]SALNPTFTFP

ClinVar aggregate classification (germline): Uncertain significance (1 of 4 stars; one submission).

gnomAD v4.1: 2 of 1,614,060 alleles (0.00012%); highest among the groups gnomAD compares: African/African-American, 0.0027%; no homozygotes.

Submission:

GeneDx
Classification: Uncertain significance. Last evaluated: 2023-11-20. Review status: criteria provided, single submitter. Criteria: GeneDx Variant Classification Process June 2021. Collection method: clinical testing. Allele origin: germline. Affected: yes.
Comment: Not observed at significant frequency in large population cohorts (gnomAD); In silico analysis supports that this missense variant does not alter protein structure/function; Has not been previously published as pathogenic or benign to our knowledge